The following is an entry in ClinVar:

NM_001363711.2(DUOX2):c.3646dup (p.Arg1216fs)

Gene: DUOX2 (dual oxidase 2; minus strand). Cytogenetic location: 15q21.1.
Variant type: Duplication.
Coding change: c.3646dup on transcript NM_001363711.2 (MANE Select); coding-DNA position 3646, one base duplicated (C; older notation c.3646dupC).
Protein change: p.Arg1216fs; shifts the reading frame from arginine 1216.
Molecular consequence: frameshift variant.
Genome position (GRCh38, 1-based): chr15:45,097,661, G duplicated on the plus strand (C on the coding strand, the reverse complement: DUOX2 is on the minus strand); the first of 2 consecutive G bases (chr15:45,097,661-45,097,662); duplicating either gives the same sequence. VCF-style (leftmost placement, unchanged base first): chr15-45097660-C-CG. GRCh37 (hg19) VCF-style: chr15-45389858-C-CG.
Other names: c.3646dup, p.Arg1216fs (NM_014080.5); short protein forms R1216fs.
Identifiers: ClinVar variation 3382141 (VCV003382141.2).

ClinVar aggregate classification (germline): Likely pathogenic (1 of 4 stars; one submission).

Conditions:
Thyroid dyshormonogenesis 6 (TDH6). Also called: THYROID HORMONOGENESIS, GENETIC DEFECT IN, 6; Genetic transient congenital hypothyroidism; HYPOTHYROIDISM, CONGENITAL, DUE TO DYSHORMONOGENESIS, 6. Identifiers: Orphanet 226316, Orphanet 95716, MedGen C1846632, MONDO:0011792, OMIM 607200.

Submission:

Juno Genomics, Hangzhou Juno Genomics, Inc
Classification: Likely pathogenic for Thyroid dyshormonogenesis 6. Review status: criteria provided, single submitter. Criteria: ACMG Guidelines, 2015. Collection method: clinical testing. Allele origin: germline. Affected: yes.
Comment: Absent from controls (or at extremely low frequency if recessive) in Genome Aggregation Database, Exome Sequencing Project, 1000 Genomes Project, or Exome Aggregation Consortium.;Null variant in a gene where loss of function (LOF) is a known mechanism of disease.